The following is an entry in ClinVar:

ClinVar aggregate classification (germline): Pathogenic (1 of 4 stars; one submission).

Conditions:
Hereditary cancer-predisposing syndrome. Also called: Hereditary Cancer Syndrome; Neoplastic Syndromes, Hereditary; Tumor predisposition; Hereditary neoplastic syndrome. Identifiers: Orphanet 140162, MedGen C0027672, MeSH D009386, MONDO:0015356.

Submission:

Ambry Genetics
Classification: Pathogenic for Hereditary cancer-predisposing syndrome. Last evaluated: 2021-10-05. Review status: criteria provided, single submitter. Criteria: Ambry Variant Classification Scheme 2023. Collection method: clinical testing. Allele origin: germline.
Comment: The c.3430_3431delTT pathogenic mutation, located in coding exon 23 of the ATM gene, results from a deletion of two nucleotides at nucleotide positions 3430 to 3431, causing a translational frameshift with a predicted alternate stop codon (p.L1144Gfs*2). This alteration is expected to result in loss of function by premature protein truncation or nonsense-mediated mRNA decay. As such, this alteration is interpreted as a disease-causing mutation.

NM_000051.4(ATM):c.3430_3431del (p.Leu1144fs)

Gene: ATM (ATM serine/threonine kinase; plus strand). Cytogenetic location: 11q22.3.
Variant type: Deletion.
Coding change: c.3430_3431del on transcript NM_000051.4 (MANE Select); coding-DNA positions 3430 to 3431, 2 bases deleted (TT; older notation c.3430_3431delTT).
Protein change: p.Leu1144fs; shifts the reading frame from leucine 1144.
Molecular consequence: frameshift variant.
Genome position (GRCh38, 1-based): chr11:108,281,022-108,281,023, TT deleted; deleting any 2 consecutive bases within chr11:108,281,021-108,281,023 gives the same sequence; the c. name uses the placement nearest the transcript's 3' end. VCF-style (leftmost placement, unchanged base first): chr11-108281020-CTT-C. GRCh37 (hg19) VCF-style: chr11-108151747-CTT-C.
Other names: c.3430_3431del, p.Leu1144fs (NM_001351834.2); c.3430_3431delTT (NM_000051.3); short protein forms L1144fs.
Identifiers: ClinVar variation 481342 (VCV000481342.5), dbSNP rs1555091158, ClinGen allele CA658656199.
Genomic context (GRCh38, chr11:108,281,020, plus strand): 5'-TTTACATTACATTTTTTTTTTAATTTCTTTTTAAGTCCCATAGTGCTGAGAACCCTGAAA[CTT>C]TGGATGAAATTTATAATAGAAAATCTGTTTTACTGACGTTGATAGCTGTGGTTTTATCCT-3'